The following is an entry in ClinVar:

NM_182746.3(MCM4):c.811A>G (p.Met271Val)

Gene: MCM4 (minichromosome maintenance complex component 4; plus strand). Cytogenetic location: 8q11.21.
Variant type: single nucleotide variant.
Coding change: c.811A>G on transcript NM_182746.3 (MANE Select); coding-DNA position 811, A replaced by G.
Protein change: p.Met271Val; replaces methionine 271 with valine.
Molecular consequence: missense variant.
Genome position (GRCh38, 1-based): chr8:47,964,691, A>G. VCF-style: chr8-47964691-A-G. GRCh37 (hg19) VCF-style: chr8-48877251-A-G.
Other names: c.811A>G, p.Met271Val (LRG_1239t1, NM_005914.4); short protein forms M271V.
Identifiers: ClinVar variation 363221 (VCV000363221.15), dbSNP rs764420223, ClinGen allele CA4742426.
Genomic context (GRCh38, chr8:47,964,691, plus strand): 5'-GACTCAATCTTAGAACATCAGATTCAAGTAAGACCATTCAACGCATTGAAGACTAAGAAT[A>G]TGAGAAACCTGAATCCAGAAGGTAATGTATTTTTCATAGGATTACTTTTGTTGAAGGAAA-3'
Protein context (NP_877423.1, residues 261-281): RPFNALKTKN[Met271Val]RNLNPEDIDQ

ClinVar aggregate classification (germline): Uncertain significance. Review status: criteria provided, multiple submitters, no conflicts (2 of 4 stars). 4 submissions from 4 submitters: Uncertain significance (4). Last evaluated 2023-06-16.

Conditions:
Primary immunodeficiency with natural-killer cell deficiency and adrenal insufficiency (IMD54). Also called: IMMUNODEFICIENCY 54; Natural killer cell and glucocorticoid deficiency with DNA repair defect. Identifiers: Orphanet 75391, MedGen C1864947, MONDO:0012383, OMIM 609981.

Allele frequency attached by ClinVar (database versions not stated): gnomAD exomes 0.00002 and 0.00003; ExAC 0.00003.
gnomAD v4.1: 31 of 1,569,412 alleles (0.002%); highest among the groups gnomAD compares: South Asian, 0.033%; 1 homozygote.

Submissions (4):

Ambry Genetics
Classification: Uncertain significance. Last evaluated: 2023-06-16. Review status: criteria provided, single submitter. Criteria: Ambry Variant Classification Scheme 2023. Collection method: clinical testing. Allele origin: germline.

Center for Genomics, Ann and Robert H. Lurie Children's Hospital of Chicago
Classification: Uncertain significance for Primary immunodeficiency with natural-killer cell deficiency and adrenal insufficiency. Last evaluated: 2021-07-21. Review status: criteria provided, single submitter. Criteria: ACMG Guidelines, 2015. Collection method: clinical testing. Allele origin: germline.
Comment: MCM4 NM_005914.3 exon 7 c.811A>G (p.Met271Val): This variant has not been reported in the literature and is not present in large control databases. This variant is present in ClinVar (Variation ID:363221). Evolutionary conservation and computational predictive tools suggest that this variant may impact the protein. In summary, data on this variant is insufficient for disease classification. Therefore, the clinical significance of this variant is uncertain.

Labcorp Genetics (formerly Invitae), Labcorp
Classification: Uncertain significance. Last evaluated: 2020-11-21. Review status: criteria provided, single submitter. Criteria: Invitae Variant Classification Sherloc (09022015). Collection method: clinical testing. Allele origin: germline.
Comment: This sequence change replaces methionine with valine at codon 271 of the MCM4 protein (p.Met271Val). The methionine residue is highly conserved and there is a small physicochemical difference between methionine and valine. This variant is present in population databases (rs764420223, ExAC 0.03%). This variant has not been reported in the literature in individuals with MCM4-related conditions. ClinVar contains an entry for this variant (Variation ID: 363221). Algorithms developed to predict the effect of missense changes on protein structure and function are either unavailable or do not agree on the potential impact of this missense change (SIFT: "Deleterious"; PolyPhen-2: "Possibly Damaging"; Align-GVGD: "Class C15"). Algorithms developed to predict the effect of sequence changes on RNA splicing suggest that this variant may create or strengthen a splice site, but this prediction has not been confirmed by published transcriptional studies. In summary, the available evidence is currently insufficient to determine the role of this variant in disease. Therefore, it has been classified as a Variant of Uncertain Significance.

Illumina Laboratory Services, Illumina
Classification: Uncertain significance for Primary immunodeficiency with natural-killer cell deficiency and adrenal insufficiency. Last evaluated: 2018-01-12. Review status: criteria provided, single submitter. Criteria: ICSL Variant Classification Criteria 13 December 2019. Collection method: clinical testing. Allele origin: germline.